The following is an entry in ClinVar:

NM_014697.3(NOS1AP):c.1259G>C (p.Gly420Ala)

Gene: NOS1AP (nitric oxide synthase 1 adaptor protein; plus strand). Cytogenetic location: 1q23.3.
Variant type: single nucleotide variant.
Coding change: c.1259G>C on transcript NM_014697.3 (MANE Select); coding-DNA position 1259, G replaced by C.
Protein change: p.Gly420Ala; replaces glycine 420 with alanine.
Molecular consequence: missense variant.
Genome position (GRCh38, 1-based): chr1:162,367,205, G>C. VCF-style: chr1-162367205-G-C. GRCh37 (hg19) VCF-style: chr1-162336995-G-C.
Other names: c.374G>C, p.Gly125Ala (NM_001126060.2); c.1244G>C, p.Gly415Ala (NM_001164757.2); short protein forms G125A, G415A, G420A.
Identifiers: ClinVar variation 1333195 (VCV001333195.1), dbSNP rs2101832815, ClinGen allele CA343395641.
Genomic context (GRCh38, chr1:162,367,205, plus strand): 5'-ATTCGCCGCCGCTGGGCGCGGGCTTGGCTGACTTTGCCCACCCTGCGGGCAGCCCCTTAG[G>C]TAGGCGCGACTGCTTGGTGAAGCTGGAGTGCTTTCGCTTTCTTCCGCCCGAGGACACCCC-3'
Protein context (NP_055512.1, residues 410-430): DFAHPAGSPL[Gly420Ala]RRDCLVKLEC

ClinVar aggregate classification (germline): Uncertain significance (1 of 4 stars; one submission).

Conditions:
Nephrotic syndrome, type 22. Identifiers: MedGen C5436909, MONDO:0030895, OMIM 619155.

Submission:

3billion
Classification: Uncertain significance for Nephrotic syndrome, type 22. Last evaluated: 2022-01-03. Review status: criteria provided, single submitter. Criteria: ACMG Guidelines, 2015. Collection method: clinical testing. Allele origin: germline. Affected: yes. Observed: 1 homozygote.
Comment: The variant is not observed in the gnomAD v2.1.1 dataset (PM2_M). In silico tool predictions suggest no damaging effect of the variant on gene or gene product (REVEL:0.4<=0.4, 3CNET:0.021<=0.25, BP4_P). Therefore, this variant is classified as uncertain significance according to the recommendation of ACMG/AMP guideline.